The following is an entry in ClinVar:

NM_001256007.3(PNPLA8):c.1076T>C (p.Ile359Thr)

Gene: PNPLA8 (patatin like domain 8, phospholipase A2; minus strand). Cytogenetic location: 7q31.1.
Variant type: single nucleotide variant.
Coding change: c.1076T>C on transcript NM_001256007.3 (MANE Select); coding-DNA position 1076, T replaced by C.
Protein change: p.Ile359Thr; replaces isoleucine 359 with threonine.
Molecular consequence: missense variant.
Genome position (GRCh38, 1-based): chr7:108,514,274, A>G on the plus strand (T>C on the coding strand, the complement: PNPLA8 is on the minus strand). VCF-style: chr7-108514274-A-G. GRCh37 (hg19) VCF-style: chr7-108154718-A-G.
Other names: p.Ile359Thr; c.1076T>C, p.Ile359Thr (NM_001256008.3, NM_001256009.3, NM_015723.5); c.776T>C, p.Ile259Thr (NM_001256010.3, NM_001256011.3); short protein forms I259T, I359T.
Identifiers: ClinVar variation 4541324 (VCV004541324.1).
Genomic context (GRCh38, chr7:108,514,274, plus strand): 5'-CAGAGCTTTGGGTCAGTTGTTCTTCTTAATGCCTGAACTAATGCCCGGGTCCTGTTATCA[A>G]TACTCACCCTTGCGATAATCTACAAAGACATATTAAATAGATATGATTAGAATACAAAAC-3'
Protein context (NP_001242936.1, residues 349-369): QREKIIARVS[Ile359Thr]DNRTRALVQA

ClinVar aggregate classification (germline): Uncertain significance (1 of 4 stars; one submission).

gnomAD v4.1: 4 of 1,611,748 alleles (0.00025%); highest among the groups gnomAD compares: Non-Finnish European, 0.00034%; no homozygotes.

Submission:

Mayo Clinic Laboratories, Mayo Clinic
Classification: Uncertain significance. Last evaluated: 2025-01-15. Review status: criteria provided, single submitter. Criteria: ACMG Guidelines, 2015. Collection method: clinical testing. Allele origin: germline. Observed: 1 variant allele.
Comment: PM2_supporting